The following is an entry in ClinVar:

NM_000211.5(ITGB2):c.185del (p.Cys62fs)

Gene: ITGB2 (integrin subunit beta 2; minus strand). Cytogenetic location: 21q22.3.
Variant type: Deletion.
Coding change: c.185del on transcript NM_000211.5 (MANE Select); coding-DNA position 185, one base deleted (G; older notation c.185delG).
Protein change: p.Cys62fs; shifts the reading frame from cysteine 62.
Molecular consequence: frameshift variant. On other transcripts: 5 prime UTR variant (1).
Genome position (GRCh38, 1-based): chr21:44,907,058, C deleted on the plus strand (G on the coding strand, the reverse complement: ITGB2 is on the minus strand). VCF-style (leftmost placement, unchanged base first): chr21-44907057-GC-G. GRCh37 (hg19) VCF-style: chr21-46326972-GC-G.
Other names: c.185del, p.Cys62fs (NM_001127491.3); c.-23del (NM_001303238.2); short protein forms C62fs.
Identifiers: ClinVar variation 2860611 (VCV002860611.3), dbSNP rs2517153214, ClinGen allele CA2739267707.

ClinVar aggregate classification (germline): Pathogenic (1 of 4 stars; one submission).

Conditions:
Leukocyte adhesion deficiency 1 (LAD1). Also called: LEUKOCYTE ADHESION DEFICIENCY, TYPE I; LAD 1; Lymphocyte function-associated antigen 1 immunodeficiency; LFA 1 immunodeficiency. Identifiers: Orphanet 2968, Orphanet 99842, MedGen C0398738, MONDO:0007293, OMIM 116920.

Submission:

Labcorp Genetics (formerly Invitae), Labcorp
Classification: Pathogenic for Leukocyte adhesion deficiency 1. Last evaluated: 2023-04-29. Review status: criteria provided, single submitter. Criteria: Invitae Variant Classification Sherloc (09022015). Collection method: clinical testing. Allele origin: germline.
Comment: This sequence change creates a premature translational stop signal (p.Cys62Serfs*9) in the ITGB2 gene. It is expected to result in an absent or disrupted protein product. Loss-of-function variants in ITGB2 are known to be pathogenic (PMID: 22134107, 25703682). This variant is not present in population databases (gnomAD no frequency). This variant has not been reported in the literature in individuals affected with ITGB2-related conditions. For these reasons, this variant has been classified as Pathogenic.

Literature cited by the submitters: PubMed 22134107; PubMed 25703682.